The following is an entry in ClinVar:

ClinVar aggregate classification (germline): Uncertain significance (1 of 4 stars; one submission).

Submission:

Labcorp Genetics (formerly Invitae), Labcorp
Classification: Uncertain significance. Last evaluated: 2020-01-30. Review status: criteria provided, single submitter. Criteria: Invitae Variant Classification Sherloc (09022015). Collection method: clinical testing. Allele origin: germline.
Comment: This variant, c.170_172del, results in the deletion of 1 amino acid(s) of the HOXB13 protein (p.Ala57del), but otherwise preserves the integrity of the reading frame. This variant is not present in population databases (ExAC no frequency). This variant has not been reported in the literature in individuals with HOXB13-related conditions. Experimental studies and prediction algorithms are not available or were not evaluated, and the functional significance of this variant is currently unknown. In summary, the available evidence is currently insufficient to determine the role of this variant in disease. Therefore, it has been classified as a Variant of Uncertain Significance.

NM_006361.6(HOXB13):c.167CGG[1] (p.Ala57del)

Gene: HOXB13 (homeobox B13; minus strand). Cytogenetic location: 17q21.32.
Variant type: Microsatellite.
Coding change: c.167CGG[1] on transcript NM_006361.6 (MANE Select); one copy of the 3-base unit CGG starting at c.167; the reference has two copies in a row; one copy, 3 bases deleted.
Protein change: p.Ala57del; deletes alanine 57.
Molecular consequence: inframe deletion.
Genome position (GRCh38, 1-based): chr17:48,728,422-48,728,424, CCG deleted on the plus strand (CGG on the coding strand, the reverse complement: HOXB13 is on the minus strand); deleting any 3 consecutive bases within chr17:48,728,422-48,728,427 gives the same sequence; the position shown is the placement nearest the transcript's 3' end. VCF-style (leftmost placement, unchanged base first): chr17-48728421-TCCG-T. GRCh37 (hg19) VCF-style: chr17-46805783-TCCG-T.
Other names: short protein forms A57del.
Identifiers: ClinVar variation 1004643 (VCV001004643.9), dbSNP rs2038239470, ClinGen allele CA2263242690.